The following is an entry in ClinVar:

NM_001080517.3(SETD5):c.4105dup (p.Leu1369fs)

Gene: SETD5 (SET domain containing 5; plus strand). Cytogenetic location: 3p25.3.
Variant type: Duplication.
Coding change: c.4105dup on transcript NM_001080517.3 (MANE Select); coding-DNA position 4105, one base duplicated (C; older notation c.4105dupC).
Protein change: p.Leu1369fs; shifts the reading frame from leucine 1369.
Molecular consequence: frameshift variant.
Genome position (GRCh38, 1-based): chr3:9,475,867, C duplicated. VCF-style (leftmost placement, unchanged base first): chr3-9475866-T-TC. GRCh37 (hg19) VCF-style: chr3-9517550-T-TC.
Other names: c.3811dup, p.Leu1271fs (NM_001292043.2, NM_001349451.2); short protein forms L1271fs, L1369fs.
Identifiers: ClinVar variation 3602211 (VCV003602211.1).

ClinVar aggregate classification (germline): Uncertain significance (1 of 4 stars; one submission).

Submission:

GeneDx
Classification: Uncertain significance. Last evaluated: 2024-07-30. Review status: criteria provided, single submitter. Criteria: GeneDx Variant Classification Process June 2021. Collection method: clinical testing. Allele origin: germline. Affected: yes.
Comment: Not observed at significant frequency in large population cohorts (gnomAD); Frameshift variant predicted to result in abnormal protein length as the last 74 amino acids are replaced with 10 different amino acids; Has not been previously published as pathogenic or benign to our knowledge